The following is an entry in ClinVar:

ClinVar aggregate classification (germline): Uncertain significance (1 of 4 stars; one submission).

Conditions:
Brugada syndrome 7 (BRGDA7). Identifiers: Orphanet 130, MedGen C2751088, MONDO:0013146, OMIM 613120.

Submission:

Labcorp Genetics (formerly Invitae), Labcorp
Classification: Uncertain significance for Brugada syndrome 7. Last evaluated: 2025-06-03. Review status: criteria provided, single submitter. Criteria: Invitae Variant Classification Sherloc (09022015). Collection method: clinical testing. Allele origin: germline.
Comment: This sequence change replaces proline, which is neutral and non-polar, with serine, which is neutral and polar, at codon 24 of the SCN3B protein (p.Pro24Ser). This variant is not present in population databases (gnomAD no frequency). This variant has not been reported in the literature in individuals affected with SCN3B-related conditions. An algorithm developed to predict the effect of missense changes on protein structure and function (PolyPhen-2) suggests that this variant is likely to be tolerated. In summary, the available evidence is currently insufficient to determine the role of this variant in disease. Therefore, it has been classified as a Variant of Uncertain Significance.

NM_001040151.2(SCN3B):c.70C>T (p.Pro24Ser)

Gene: SCN3B (sodium voltage-gated channel beta subunit 3; minus strand). Cytogenetic location: 11q24.1.
Variant type: single nucleotide variant.
Coding change: c.70C>T on transcript NM_001040151.2 (MANE Select); coding-DNA position 70, C replaced by T.
Protein change: p.Pro24Ser; replaces proline 24 with serine.
Molecular consequence: missense variant.
Genome position (GRCh38, 1-based): chr11:123,645,736, G>A on the plus strand (C>T on the coding strand, the complement: SCN3B is on the minus strand). VCF-style: chr11-123645736-G-A. GRCh37 (hg19) VCF-style: chr11-123516444-G-A.
Other names: c.70C>T, p.Pro24Ser (NM_018400.4); short protein forms P24S.
Identifiers: ClinVar variation 4691475 (VCV004691475.1).
Genomic context (GRCh38, chr11:123,645,736, plus strand): 5'-GCAGCTTCATGGGGTTGCCCTGCACGGCCTCCGTCTCCGAGGGCACTTCCACACACACAG[G>A]GAAGCAGACACTGACTGCAGAGAGGACAGATGGACAGGGAAGGAACAGCAGGTGGTGGGG-3'
Protein context (NP_001035241.1, residues 14-34): VLIYWVSVCF[Pro24Ser]VCVEVPSETE